The following is an entry in ClinVar:

NM_003562.5(SLC25A11):c.66C>T (p.Ser22=)

Gene: SLC25A11 (solute carrier family 25 member 11; minus strand). Cytogenetic location: 17p13.2.
Variant type: single nucleotide variant.
Coding change: c.66C>T on transcript NM_003562.5 (MANE Select); coding-DNA position 66, C replaced by T.
Protein change: p.Ser22=; no amino-acid change (serine 22 retained).
Molecular consequence: synonymous variant. On other transcripts: intron variant (1).
Genome position (GRCh38, 1-based): chr17:4,939,845, G>A on the plus strand (C>T on the coding strand, the complement: SLC25A11 is on the minus strand). VCF-style: chr17-4939845-G-A. GRCh37 (hg19) VCF-style: chr17-4843140-G-A.
Other names: c.66C>T, p.Ser22= (NM_001165418.2); c.62+4C>T (NM_001165417.2).
Identifiers: ClinVar variation 3443328 (VCV003443328.3).
Genomic context (GRCh38, chr17:4,939,845, plus strand): 5'-CTCTTTTCCCATCCCTGGGGCCTGAGCTTACCCGGCCAGGCCCCCAAACAGGAACTTGAC[G>A]GACTTAGGGGAGGTACGGGGCTTCCCGTCTATCCCGCCGGCCCCGGCACTCGCCGTCGCC-3'
Protein context (NP_003553.2, residues 12-32): IDGKPRTSPK[Ser22=]VKFLFGGLAG

ClinVar aggregate classification (germline): Conflicting classifications of pathogenicity. Review status: criteria provided, conflicting classifications (1 of 4 stars). 2 submissions from 2 submitters: Uncertain significance (1); Likely benign (1). Last evaluated 2024-11-24.

gnomAD v4.1: 106 of 1,612,626 alleles (0.0066%); highest among the groups gnomAD compares: Non-Finnish European, 0.0086%; no homozygotes.

Submissions (2):

Labcorp Genetics (formerly Invitae), Labcorp
Classification: Uncertain significance. Last evaluated: 2024-11-24. Review status: criteria provided, single submitter. Criteria: Invitae Variant Classification Sherloc (09022015). Collection method: clinical testing. Allele origin: germline.
Comment: This sequence change affects codon 22 of the SLC25A11 mRNA. It is a 'silent' change, meaning that it does not change the encoded amino acid sequence of the SLC25A11 protein. This variant is present in population databases (rs185637894, gnomAD 0.009%). This variant has not been reported in the literature in individuals affected with SLC25A11-related conditions. Experimental studies and prediction algorithms are not available or were not evaluated, and the effect of this variant on mRNA splicing is currently unknown. In summary, the available evidence is currently insufficient to determine the role of this variant in disease. Therefore, it has been classified as a Variant of Uncertain Significance.

Ambry Genetics
Classification: Likely benign. Last evaluated: 2024-08-26. Review status: criteria provided, single submitter. Criteria: Ambry Variant Classification Scheme 2023. Collection method: clinical testing. Allele origin: germline.